The following is an entry in ClinVar:

ClinVar aggregate classification (germline): Uncertain significance (1 of 4 stars; one submission).

Allele frequency attached by ClinVar (database versions not stated): gnomAD exomes below 0.00001; ExAC 0.00003.
gnomAD v4.1: 3 of 1,585,306 alleles (0.00019%); highest among the groups gnomAD compares: Non-Finnish European, 0.00026%; no homozygotes.

Submission:

Labcorp Genetics (formerly Invitae), Labcorp
Classification: Uncertain significance. Last evaluated: 2022-09-06. Review status: criteria provided, single submitter. Criteria: Invitae Variant Classification Sherloc (09022015). Collection method: clinical testing. Allele origin: germline.
Comment: In summary, the available evidence is currently insufficient to determine the role of this variant in disease. Therefore, it has been classified as a Variant of Uncertain Significance. Variants that disrupt the consensus splice site are a relatively common cause of aberrant splicing (PMID: 17576681, 9536098). Algorithms developed to predict the effect of sequence changes on RNA splicing suggest that this variant is not likely to affect RNA splicing. This variant has not been reported in the literature in individuals affected with CIB2-related conditions. This variant is present in population databases (rs764140956, gnomAD 0.002%). This sequence change falls in intron 1 of the CIB2 gene. It does not directly change the encoded amino acid sequence of the CIB2 protein. It affects a nucleotide within the consensus splice site.

Literature cited by the submitters: PubMed 17576681; PubMed 9536098.

NM_006383.4(CIB2):c.51+6C>G

Genes: CIB2 (calcium and integrin binding family member 2; minus strand), LOC130057683 (ATAC-STARR-seq lymphoblastoid silent region 6705; plus strand). Cytogenetic location: 15q25.1.
Variant type: single nucleotide variant.
Coding change: c.51+6C>G on transcript NM_006383.4 (MANE Select); 6 bases into the intron after coding-DNA position 51, C replaced by G.
Molecular consequence: intron variant.
Genome position (GRCh38, 1-based): chr15:78,131,159, G>C on the plus strand (C>G on the coding strand, the complement: CIB2 is on the minus strand). VCF-style: chr15-78131159-G-C. GRCh37 (hg19) VCF-style: chr15-78423501-G-C.
Other names: c.51+6C>G (NM_001271889.2, NM_001301224.2); c.-44+6C>G (NM_001271888.2).
Identifiers: ClinVar variation 2115742 (VCV002115742.3), dbSNP rs764140956, ClinGen allele CA7680394.
Genomic context (GRCh38, chr15:78,131,159, plus strand): 5'-ACCGAGAAAAGGGAGGGGCGGCGGGGCGGCGGGGCCTGTGTTGGGGGCCGGGCGCGCCGA[G>C]CTCACCTGGTAGTTGTCTAGCTGCTCTTCGGTGAAGATGGTCTGCTTGTTCCCCATGGTG-3'